The following is an entry in ClinVar:

ClinVar aggregate classification (germline): Benign. Review status: criteria provided, multiple submitters, no conflicts (2 of 4 stars). 3 submissions from 3 submitters: Benign (3). Last evaluated 2025-08-31.

Conditions:
Cataract 18 (CATC2). Also called: CATARACT 18, AUTOSOMAL RECESSIVE. Identifiers: Orphanet 91492, Orphanet 98991, Orphanet 98992, Orphanet 98995, MedGen C1864908, MONDO:0012395, OMIM 610019.

Allele frequency attached by ClinVar (database versions not stated): gnomAD exomes 0.00085; ExAC 0.00101; ESP Exome Variant Server 0.00284; 1000 Genomes Project 0.00319; 1000 Genomes Project 30x 0.00328; gnomAD 0.00358 and 0.00390; TOPMed 0.00405.
gnomAD v4.1: 1,029 of 1,614,086 alleles (0.064%); highest among the groups gnomAD compares: African/African-American, 1.2%; 15 homozygotes.

Submissions (3):

Labcorp Genetics (formerly Invitae), Labcorp
Classification: Benign for Cataract 18. Last evaluated: 2025-08-31. Review status: criteria provided, single submitter. Criteria: Invitae Variant Classification Sherloc (09022015). Collection method: clinical testing. Allele origin: germline.

Illumina Laboratory Services, Illumina
Classification: Benign for Cataract 18. Last evaluated: 2018-01-13. Review status: criteria provided, single submitter. Criteria: ICSL Variant Classification Criteria 13 December 2019. Collection method: clinical testing. Allele origin: germline.
Comment: This variant was observed in the ICSL laboratory as part of a predisposition screen in an ostensibly healthy population. It had not been previously curated by ICSL or reported in the Human Gene Mutation Database (HGMD: prior to June 1st, 2018), and was therefore a candidate for classification through an automated scoring system. Utilizing variant allele frequency, disease prevalence and penetrance estimates, and inheritance mode, an automated score was calculated to assess if this variant is too frequent to cause the disease. Based on the score and internal cut-off values, a variant classified as benign is not then subjected to further curation. The score for this variant resulted in a classification of benign for this disease.

Breakthrough Genomics
Classification: Benign. Review status: criteria provided, single submitter. Criteria: ACMG Guidelines, 2015. Collection method: not provided. Allele origin: germline. Inheritance: Autosomal recessive inheritance. Affected: yes.

NM_024513.4(FYCO1):c.1325G>A (p.Arg442Gln)

Gene: FYCO1 (FYVE and coiled-coil domain autophagy adaptor 1; minus strand). Cytogenetic location: 3p21.31.
Variant type: single nucleotide variant.
Coding change: c.1325G>A on transcript NM_024513.4 (MANE Select); coding-DNA position 1325, G replaced by A.
Protein change: p.Arg442Gln; replaces arginine 442 with glutamine.
Molecular consequence: missense variant.
Genome position (GRCh38, 1-based): chr3:45,968,009, C>T on the plus strand (G>A on the coding strand, the complement: FYCO1 is on the minus strand). VCF-style: chr3-45968009-C-T. GRCh37 (hg19) VCF-style: chr3-46009501-C-T.
Other names: short protein forms R442Q.
Identifiers: ClinVar variation 345525 (VCV000345525.13), dbSNP rs116404907, ClinGen allele CA2353278.